The following is an entry in ClinVar:

ClinVar aggregate classification (germline): Uncertain significance. Review status: criteria provided, single submitter (1 of 4 stars). 2 submissions from 2 submitters: Uncertain significance (1). 1 of the submissions does not count toward it. Last evaluated 2025-06-01.

Conditions:
Intellectual disability. Also called: intellectual disabilities; Intellectual developmental disorder; Intellectual functioning disability. Identifiers: MedGen C3714756, MeSH D008607, MONDO:0001071, HP:0001249.

Allele frequency attached by ClinVar (database versions not stated): TOPMed 0.00001.
gnomAD v4.1: 6 of 1,614,162 alleles (0.00037%); highest among the groups gnomAD compares: Non-Finnish European, 0.00051%; no homozygotes.

Submissions (2):

Labcorp Genetics (formerly Invitae), Labcorp
Classification: Uncertain significance. Last evaluated: 2025-06-01. Review status: criteria provided, single submitter. Criteria: Invitae Variant Classification Sherloc (09022015). Collection method: clinical testing. Allele origin: germline.
Comment: This sequence change replaces arginine, which is basic and polar, with tryptophan, which is neutral and slightly polar, at codon 296 of the ADNP protein (p.Arg296Trp). This variant is present in population databases (no rsID available, gnomAD 0.002%). This variant has not been reported in the literature in individuals affected with ADNP-related conditions. ClinVar contains an entry for this variant (Variation ID: 975318). An algorithm developed to predict the effect of missense changes on protein structure and function (PolyPhen-2) suggests that this variant is likely to be disruptive. In summary, the available evidence is currently insufficient to determine the role of this variant in disease. Therefore, it has been classified as a Variant of Uncertain Significance.

Centre de Biologie Pathologie Génétique, Centre Hospitalier Universitaire de Lille
Classification: Likely benign for Intellectual disability. Last evaluated: 2019-01-01. Review status: no assertion criteria provided. Collection method: clinical testing. Allele origin: inherited. Affected: yes. Not counted in ClinVar's aggregate classification.

NM_001282531.3(ADNP):c.886C>T (p.Arg296Trp)

Gene: ADNP (activity dependent neuroprotector homeobox; minus strand). Cytogenetic location: 20q13.13.
Variant type: single nucleotide variant.
Coding change: c.886C>T on transcript NM_001282531.3 (MANE Select); coding-DNA position 886, C replaced by T.
Protein change: p.Arg296Trp; replaces arginine 296 with tryptophan.
Molecular consequence: missense variant.
Genome position (GRCh38, 1-based): chr20:50,893,828, G>A on the plus strand (C>T on the coding strand, the complement: ADNP is on the minus strand). VCF-style: chr20-50893828-G-A. GRCh37 (hg19) VCF-style: chr20-49510365-G-A.
Other names: c.886C>T, p.Arg296Trp (NM_001282532.2, NM_001347511.2, NM_015339.5 and 1 more transcripts); short protein forms R296W.
Identifiers: ClinVar variation 975318 (VCV000975318.2), dbSNP rs1449967098, ClinGen allele CA408975212.
Genomic context (GRCh38, chr20:50,893,828, plus strand): 5'-AATTTAAGTTAGGCTTTGGTATTGAGAGTCGATTCACCATCTGCTGTGATGGTAAAGACC[G>A]GACATTTCCAGAAGCAAGGGAACCGATCCTTGGTGGGAGTCCCATGCTCTTCTTGTCTTG-3'
Protein context (NP_001269460.1, residues 286-306): RIGSLASGNV[Arg296Trp]SLPSQQMVNR